The following is an entry in ClinVar:

ClinVar aggregate classification (germline): Uncertain significance. Review status: criteria provided, multiple submitters, no conflicts (2 of 4 stars). 2 submissions from 2 submitters: Uncertain significance (2). Last evaluated 2024-11-08.

Allele frequency attached by ClinVar (database versions not stated): gnomAD 0.00001; gnomAD exomes 0.00002; TOPMed 0.00003; ExAC 0.00004.
gnomAD v4.1: 13 of 1,606,476 alleles (0.00081%); highest among the groups gnomAD compares: Admixed American, 0.017%; no homozygotes.

Submissions (2):

Ambry Genetics
Classification: Uncertain significance. Last evaluated: 2024-11-08. Review status: criteria provided, single submitter. Criteria: Ambry Variant Classification Scheme 2023. Collection method: clinical testing. Allele origin: germline.

GeneDx
Classification: Uncertain significance. Last evaluated: 2019-10-02. Review status: criteria provided, single submitter. Criteria: GeneDx Variant Classification Process June 2021. Collection method: clinical testing. Allele origin: germline. Affected: yes.
Comment: In silico analysis, which includes protein predictors and evolutionary conservation, supports that this variant does not alter protein structure/function; Has not been previously published as pathogenic or benign to our knowledge

NM_001042517.2(DIAPH3):c.133C>A (p.Pro45Thr)

Gene: DIAPH3 (diaphanous related formin 3; minus strand). Cytogenetic location: 13q21.2.
Variant type: single nucleotide variant.
Coding change: c.133C>A on transcript NM_001042517.2 (MANE Select); coding-DNA position 133, C replaced by A.
Protein change: p.Pro45Thr; replaces proline 45 with threonine.
Molecular consequence: missense variant.
Genome position (GRCh38, 1-based): chr13:60,163,634, G>T on the plus strand (C>A on the coding strand, the complement: DIAPH3 is on the minus strand). VCF-style: chr13-60163634-G-T. GRCh37 (hg19) VCF-style: chr13-60737768-G-T.
Other names: c.133C>A, p.Pro45Thr (NM_001258366.2, NM_001258367.2, NM_001258368.2 and 1 more transcripts); short protein forms P45T.
Identifiers: ClinVar variation 1308866 (VCV001308866.3), dbSNP rs749626918, ClinGen allele CA6997110.
Genomic context (GRCh38, chr13:60,163,634, plus strand): 5'-AGGCGATACTCACAAACTTGGGGCGCTTCTCCCCAGGCTCCTCGGGGCCACTGGGCGGCG[G>T]AGGGTGTTGGGGGCCCTTCCTGCGCGGCATCTTGCTTTCCCGGCAGCCGCGGAGAGAGGC-3'
Protein context (NP_001035982.1, residues 35-55): MPRRKGPQHP[Pro45Thr]PPSGPEEPGE